The following is an entry in ClinVar:

ClinVar aggregate classification (germline): Likely benign. Review status: criteria provided, multiple submitters, no conflicts (2 of 4 stars). 6 submissions from 6 submitters: Likely benign (4). 2 of the submissions do not count toward it. Last evaluated 2025-11-08.

Allele frequency attached by ClinVar (database versions not stated): gnomAD 0.00007 and 0.00009; TOPMed 0.00007; ESP Exome Variant Server 0.00008; gnomAD exomes 0.00012 and 0.00024; ExAC 0.00025; 1000 Genomes Project 30x 0.00031; 1000 Genomes Project 0.00040.
gnomAD v4.1: 201 of 1,612,706 alleles (0.012%); highest among the groups gnomAD compares: Middle Eastern, 0.18%; no homozygotes.

Submissions (6):

Labcorp Genetics (formerly Invitae), Labcorp
Classification: Likely benign. Last evaluated: 2025-11-08. Review status: criteria provided, single submitter. Criteria: Invitae Variant Classification Sherloc (09022015). Collection method: clinical testing. Allele origin: germline.

Blueprint Genetics
Classification: Likely benign. Last evaluated: 2024-10-25. Review status: criteria provided, single submitter. Criteria: ACMG Guidelines, 2015. Collection method: clinical testing. Allele origin: germline.

CeGaT Center for Human Genetics Tuebingen
Classification: Likely benign. Last evaluated: 2022-04-01. Review status: criteria provided, single submitter. Criteria: CeGaT Center For Human Genetics Tuebingen Variant Classification Criteria Version 2. Collection method: clinical testing. Allele origin: germline. Affected: yes. Observed: 1 variant allele.
Comment: CD81: BP4, BP7

Breakthrough Genomics
Classification: Likely benign. Review status: criteria provided, single submitter. Criteria: ACMG Guidelines, 2015. Collection method: not provided. Allele origin: germline. Inheritance: Autosomal recessive inheritance. Affected: yes.

Clinical Genetics DNA and cytogenetics Diagnostics Lab, Erasmus MC, Erasmus Medical Center
Classification: Likely benign. Review status: no assertion criteria provided. Collection method: clinical testing. Allele origin: germline. Affected: yes. Study: VKGL Data-share Consensus. Not counted in ClinVar's aggregate classification.

Genome Diagnostics Laboratory, University Medical Center Utrecht
Classification: Likely benign. Review status: no assertion criteria provided. Collection method: clinical testing. Allele origin: germline. Affected: yes. Study: VKGL Data-share Consensus. Not counted in ClinVar's aggregate classification.

NM_004356.4(CD81):c.426C>T (p.Asn142=)

Gene: CD81 (CD81 molecule; plus strand). Cytogenetic location: 11p15.5.
Variant type: single nucleotide variant.
Coding change: c.426C>T on transcript NM_004356.4 (MANE Select); coding-DNA position 426, C replaced by T.
Protein change: p.Asn142=; no amino-acid change (asparagine 142 retained).
Molecular consequence: synonymous variant.
Genome position (GRCh38, 1-based): chr11:2,395,487, C>T. VCF-style: chr11-2395487-C-T. GRCh37 (hg19) VCF-style: chr11-2416717-C-T.
Other names: c.213C>T, p.Asn71= (NM_001297649.2).
Identifiers: ClinVar variation 1328026 (VCV001328026.35), dbSNP rs369472934, ClinGen allele CA5820003.